The following is an entry in ClinVar:

ClinVar aggregate classification (germline): Uncertain significance. Review status: criteria provided, multiple submitters, no conflicts (2 of 4 stars). 3 submissions from 3 submitters: Uncertain significance (3). Last evaluated 2024-12-03.

Conditions:
LAMA2-related muscular dystrophy (LAMA2-RD). Also called: Laminin alpha 2-related dystrophy. Identifiers: MedGen C5679788, MONDO:0100228.
Inborn genetic diseases. Identifiers: MedGen C0950123, MeSH D030342.

Allele frequency attached by ClinVar (database versions not stated): gnomAD exomes 0.00002 and 0.00003; ExAC 0.00004; gnomAD 0.00006; TOPMed 0.00011.
gnomAD v4.1: 46 of 1,612,236 alleles (0.0029%); highest among the groups gnomAD compares: Admixed American, 0.01%; no homozygotes.

Submissions (3):

Ambry Genetics
Classification: Uncertain significance for Inborn genetic diseases. Last evaluated: 2024-12-03. Review status: criteria provided, single submitter. Criteria: Ambry Variant Classification Scheme 2023. Collection method: clinical testing. Allele origin: germline.

Revvity Omics, Revvity
Classification: Uncertain significance. Last evaluated: 2024-03-25. Review status: criteria provided, single submitter. Criteria: ACMG Guidelines, 2015. Collection method: clinical testing. Allele origin: germline.

Labcorp Genetics (formerly Invitae), Labcorp
Classification: Uncertain significance for LAMA2-related muscular dystrophy. Last evaluated: 2022-08-09. Review status: criteria provided, single submitter. Criteria: Invitae Variant Classification Sherloc (09022015). Collection method: clinical testing. Allele origin: germline.
Comment: This sequence change replaces proline, which is neutral and non-polar, with leucine, which is neutral and non-polar, at codon 2505 of the LAMA2 protein (p.Pro2505Leu). This variant is present in population databases (rs764060943, gnomAD 0.007%). This variant has not been reported in the literature in individuals affected with LAMA2-related conditions. ClinVar contains an entry for this variant (Variation ID: 648032). Advanced modeling of protein sequence and biophysical properties (such as structural, functional, and spatial information, amino acid conservation, physicochemical variation, residue mobility, and thermodynamic stability) performed at Invitae indicates that this missense variant is not expected to disrupt LAMA2 protein function. In summary, the available evidence is currently insufficient to determine the role of this variant in disease. Therefore, it has been classified as a Variant of Uncertain Significance.

NM_000426.4(LAMA2):c.7514C>T (p.Pro2505Leu)

Gene: LAMA2 (laminin subunit alpha 2; plus strand). Cytogenetic location: 6q22.33.
Variant type: single nucleotide variant.
Coding change: c.7514C>T on transcript NM_000426.4 (MANE Select); coding-DNA position 7514, C replaced by T.
Protein change: p.Pro2505Leu; replaces proline 2505 with leucine.
Molecular consequence: missense variant.
Genome position (GRCh38, 1-based): chr6:129,478,755, C>T. VCF-style: chr6-129478755-C-T. GRCh37 (hg19) VCF-style: chr6-129799900-C-T.
Other names: c.7502C>T, p.Pro2501Leu (NM_001079823.2); short protein forms P2501L, P2505L.
Identifiers: ClinVar variation 648032 (VCV000648032.7), dbSNP rs764060943, ClinGen allele CA3994586.